The following is an entry in ClinVar:

ClinVar aggregate classification (germline): Uncertain significance. Review status: criteria provided, multiple submitters, no conflicts (2 of 4 stars). 2 submissions from 2 submitters: Uncertain significance (2). Last evaluated 2021-08-26.

Conditions:
Charcot-Marie-Tooth disease type 2. Also called: Charcot-Marie-Tooth type 2. Identifiers: Orphanet 64746, MedGen C0270914, MONDO:0018993.
Charcot-Marie-Tooth disease. Also called: Charcot-Marie-Tooth Hereditary Neuropathy; Charcot-Marie-Tooth Neuropathy. Identifiers: Orphanet 166, MedGen C0007959, MONDO:0015626.

Allele frequency attached by ClinVar (database versions not stated): gnomAD exomes 0.00004 and 0.00006; ExAC 0.00007; gnomAD 0.00003; TOPMed 0.00005.
gnomAD v4.1: 63 of 1,611,606 alleles (0.0039%); highest among the groups gnomAD compares: South Asian, 0.0066%; no homozygotes.

Submissions (2):

Labcorp Genetics (formerly Invitae), Labcorp
Classification: Uncertain significance for Charcot-Marie-Tooth disease type 2. Last evaluated: 2021-08-26. Review status: criteria provided, single submitter. Criteria: Invitae Variant Classification Sherloc (09022015). Collection method: clinical testing. Allele origin: germline.
Comment: This sequence change replaces proline with leucine at codon 682 of the MED25 protein (p.Pro682Leu). The proline residue is weakly conserved and there is a moderate physicochemical difference between proline and leucine. This variant is present in population databases (rs764017333, ExAC 0.02%). This variant has not been reported in the literature in individuals affected with MED25-related conditions. Algorithms developed to predict the effect of missense changes on protein structure and function are either unavailable or do not agree on the potential impact of this missense change (SIFT: "Tolerated"; PolyPhen-2: "Probably Damaging"; Align-GVGD: "Class C0"). In summary, the available evidence is currently insufficient to determine the role of this variant in disease. Therefore, it has been classified as a Variant of Uncertain Significance.

Molecular Genetics Laboratory, London Health Sciences Centre
Classification: Uncertain significance for Charcot-Marie-Tooth disease. Review status: criteria provided, single submitter. Criteria: ACMG Guidelines, 2015. Collection method: clinical testing. Allele origin: germline. Affected: yes.

NM_030973.4(MED25):c.2045C>T (p.Pro682Leu)

Gene: MED25 (mediator complex subunit 25; plus strand). Cytogenetic location: 19q13.33.
Variant type: single nucleotide variant.
Coding change: c.2045C>T on transcript NM_030973.4 (MANE Select); coding-DNA position 2045, C replaced by T.
Protein change: p.Pro682Leu; replaces proline 682 with leucine.
Molecular consequence: missense variant.
Genome position (GRCh38, 1-based): chr19:49,836,305, C>T. VCF-style: chr19-49836305-C-T. GRCh37 (hg19) VCF-style: chr19-50339562-C-T.
Other names: c.2045C>T, p.Pro682Leu (NM_001378355.1); short protein forms P682L.
Identifiers: ClinVar variation 916776 (VCV000916776.6), dbSNP rs764017333, ClinGen allele CA9585460.